The following is an entry in ClinVar:

ClinVar aggregate classification (germline): Uncertain significance (1 of 4 stars; one submission).

Conditions:
Hypogonadotropic hypogonadism 2 with or without anosmia (HH2). Also called: HYPOGONADOTROPIC HYPOGONADISM 2 WITHOUT ANOSMIA; FGFR1-Related GnRH Deficiency (Kallmann Syndrome 2); HYPOGONADOTROPIC HYPOGONADISM 2 WITH OR WITHOUT ANOSMIA, SUSCEPTIBILITY TO; HYPOGONADOTROPIC HYPOGONADISM 2 WITHOUT ANOSMIA, SUSCEPTIBILITY TO. Identifiers: Orphanet 478, MedGen C1563720, MONDO:0007844, OMIM 147950. Disease mechanism: loss of function.
Pfeiffer syndrome (ACS5). Also called: ACS V. Identifiers: Orphanet 710, MedGen C0220658, MONDO:0007043, OMIM 101600.

gnomAD v4.1: 3 of 1,612,776 alleles (0.00019%); highest among the groups gnomAD compares: Non-Finnish European, 0.00017%; no homozygotes.

Submission:

Labcorp Genetics (formerly Invitae), Labcorp
Classification: Uncertain significance for Pfeiffer syndrome; Hypogonadotropic hypogonadism 2 with or without anosmia. Last evaluated: 2025-06-10. Review status: criteria provided, single submitter. Criteria: Invitae Variant Classification Sherloc (09022015). Collection method: clinical testing. Allele origin: germline.
Comment: This sequence change replaces proline, which is neutral and non-polar, with leucine, which is neutral and non-polar, at codon 123 of the FGFR1 protein (p.Pro123Leu). This variant is not present in population databases (gnomAD no frequency). This variant has not been reported in the literature in individuals affected with FGFR1-related conditions. Invitae Evidence Modeling of protein sequence and biophysical properties (such as structural, functional, and spatial information, amino acid conservation, physicochemical variation, residue mobility, and thermodynamic stability) indicates that this missense variant is not expected to disrupt FGFR1 protein function with a negative predictive value of 80%. In summary, the available evidence is currently insufficient to determine the role of this variant in disease. Therefore, it has been classified as a Variant of Uncertain Significance.

NM_023110.3(FGFR1):c.368C>T (p.Pro123Leu)

Gene: FGFR1 (fibroblast growth factor receptor 1; minus strand). Cytogenetic location: 8p11.23.
Variant type: single nucleotide variant.
Coding change: c.368C>T on transcript NM_023110.3 (MANE Select); coding-DNA position 368, C replaced by T.
Protein change: p.Pro123Leu; replaces proline 123 with leucine.
Molecular consequence: missense variant.
Genome position (GRCh38, 1-based): chr8:38,428,426, G>A on the plus strand (C>T on the coding strand, the complement: FGFR1 is on the minus strand). VCF-style: chr8-38428426-G-A. GRCh37 (hg19) VCF-style: chr8-38285944-G-A.
Other names: c.368C>T, p.Pro123Leu (NM_001174063.2, NM_001174065.2, NM_001354367.2 and 3 more transcripts); c.344C>T, p.Pro115Leu (NM_001174064.2); c.101C>T, p.Pro34Leu (NM_001174066.2, NM_001354368.2, NM_001354370.2 and 2 more transcripts); c.467C>T, p.Pro156Leu (NM_001174067.2); short protein forms P123L, P156L, P115L, P34L.
Identifiers: ClinVar variation 4788908 (VCV004788908.1).